The following is an entry in ClinVar:

ClinVar aggregate classification (germline): Uncertain significance (1 of 4 stars; one submission).

gnomAD v4.1: 1 of 1,613,462 alleles (0.000062%); highest among the groups gnomAD compares: Admixed American, 0.0017%; no homozygotes.

Submission:

Women's Health and Genetics/Laboratory Corporation of America, LabCorp
Classification: Uncertain significance. Last evaluated: 2026-05-29. Review status: criteria provided, single submitter. Criteria: LabCorp Variant Classification Summary - May 2015. Collection method: clinical testing. Allele origin: germline.
Comment: Variant summary: TTN c.14900T>C (p.Val4967Ala) results in a non-conservative amino acid change in the encoded protein sequence. Algorithms developed to predict the effect of missense changes on protein structure and function are either unavailable or do not agree on the potential impact of this missense change. The variant allele was found at a frequency of 4e-06 in 248220 control chromosomes. The available data on variant occurrences in the general population are insufficient to allow any conclusion about variant significance. To our knowledge, no occurrence of c.14900T>C in individuals affected with TTN-related conditions and no experimental evidence demonstrating its impact on protein function have been reported. No submitters have cited clinical-significance assessments for this variant to ClinVar. Based on the evidence outlined above, the variant was classified as uncertain significance.

NM_001267550.2(TTN):c.18632T>C (p.Val6211Ala)

Genes: TTN (titin; minus strand), LOC126806430 (BRD4-independent group 4 enhancer GRCh37_chr2:179593794-179594993; plus strand). Cytogenetic location: 2q31.2.
Variant type: single nucleotide variant.
Coding change: c.18632T>C on transcript NM_001267550.2 (MANE Select); coding-DNA position 18632, T replaced by C.
Protein change: p.Val6211Ala; replaces valine 6211 with alanine.
Molecular consequence: missense variant. On other transcripts: intron variant (3).
Genome position (GRCh38, 1-based): chr2:178,729,524, A>G on the plus strand (T>C on the coding strand, the complement: TTN is on the minus strand). VCF-style: chr2-178729524-A-G. GRCh37 (hg19) VCF-style: chr2-179594251-A-G.
Other names: c.17681T>C, p.Val5894Ala (NM_001256850.1); c.14900T>C, p.Val4967Ala (NM_133378.4); c.13282+8558T>C (NM_003319.4); c.13858+8558T>C (NM_133437.4); c.13657+8558T>C (NM_133432.3); short protein forms V4967A, V5894A, V6211A.
Identifiers: ClinVar variation 4852979 (VCV004852979.1).